The following is an entry in ClinVar:

ClinVar aggregate classification (germline): Uncertain significance (1 of 4 stars; one submission).

gnomAD v4.1: 1 of 1,613,110 alleles (0.000062%); highest among the groups gnomAD compares: Non-Finnish European, 0.000085%; no homozygotes.

Submission:

GeneDx
Classification: Uncertain significance. Last evaluated: 2026-04-07. Review status: criteria provided, single submitter. Criteria: GeneDx Variant Classification Process June 2021. Collection method: clinical testing. Allele origin: germline.
Comment: Not observed at significant frequency in large population cohorts (gnomAD); Missense variant in a gene in which most reported pathogenic variants are truncating/loss of function; Has not been previously published as pathogenic or benign to our knowledge

NM_001267550.2(TTN):c.59369C>A (p.Ala19790Asp)

Genes: TTN (titin; minus strand), TTN-AS1 (TTN antisense RNA 1; plus strand), LOC126806424 (CDK7 strongly-dependent group 2 enhancer GRCh37_chr2:179456337-179457536; plus strand). Cytogenetic location: 2q31.2.
Variant type: single nucleotide variant.
Coding change: c.59369C>A on transcript NM_001267550.2 (MANE Select); coding-DNA position 59369, C replaced by A.
Protein change: p.Ala19790Asp; replaces alanine 19790 with aspartic acid.
Molecular consequence: missense variant.
Genome position (GRCh38, 1-based): chr2:178,592,636, G>T on the plus strand (C>A on the coding strand, the complement: TTN is on the minus strand). VCF-style: chr2-178592636-G-T. GRCh37 (hg19) VCF-style: chr2-179457363-G-T.
Other names: c.54446C>A, p.Ala18149Asp (NM_001256850.1); c.32174C>A, p.Ala10725Asp (NM_003319.4); c.51665C>A, p.Ala17222Asp (NM_133378.4); c.32549C>A, p.Ala10850Asp (NM_133432.3); c.32750C>A, p.Ala10917Asp (NM_133437.4); short protein forms A10725D, A10850D, A10917D, A17222D, A18149D, A19790D.
Identifiers: ClinVar variation 5017177 (VCV005017177.1).